The following is an entry in ClinVar:

ClinVar aggregate classification (germline): Pathogenic. Review status: criteria provided, multiple submitters, no conflicts (2 of 4 stars). 2 submissions from 2 submitters: Pathogenic (2). Last evaluated 2023-08-09.

Conditions:
Hereditary nonpolyposis colorectal neoplasms. Identifiers: MedGen C0009405, MeSH D003123.
Lynch syndrome 5 (LYNCH5). Also called: Colorectal cancer, hereditary nonpolyposis, type 5; Hereditary non-polyposis colorectal cancer, type 5. Identifiers: Orphanet 144, MedGen C1833477, MONDO:0013710, OMIM 614350. Disease mechanism: loss of function.

Submissions (2):

Myriad Genetics, Inc.
Classification: Pathogenic for Lynch syndrome 5. Last evaluated: 2023-08-09. Review status: criteria provided, single submitter. Criteria: Myriad Autosomal Dominant, Autosomal Recessive and X-Linked Classification Criteria (2023). Collection method: clinical testing. Allele origin: unknown.
Comment: This variant is considered pathogenic. This variant creates a termination codon and is predicted to result in premature protein truncation.

Labcorp Genetics (formerly Invitae), Labcorp
Classification: Pathogenic for Hereditary nonpolyposis colorectal neoplasms. Last evaluated: 2021-10-02. Review status: criteria provided, single submitter. Criteria: Invitae Variant Classification Sherloc (09022015). Collection method: clinical testing. Allele origin: germline.
Comment: For these reasons, this variant has been classified as Pathogenic. This variant has not been reported in the literature in individuals affected with MSH6-related conditions. This variant is not present in population databases (ExAC no frequency). This sequence change creates a premature translational stop signal (p.Lys13*) in the MSH6 gene. It is expected to result in an absent or disrupted protein product. Loss-of-function variants in MSH6 are known to be pathogenic (PMID: 18269114, 24362816).

Literature cited by the submitters: PubMed 18269114 (cited by Labcorp Genetics (formerly Invitae), Labcorp); PubMed 24362816 (cited by Labcorp Genetics (formerly Invitae), Labcorp).

NM_000179.3(MSH6):c.37A>T (p.Lys13Ter)

Gene: MSH6 (mutS homolog 6; plus strand). Cytogenetic location: 2p16.3.
Variant type: single nucleotide variant.
Coding change: c.37A>T on transcript NM_000179.3 (MANE Select); coding-DNA position 37, A replaced by T.
Protein change: p.Lys13Ter; replaces lysine 13 with a stop codon.
Molecular consequence: nonsense. On other transcripts: 5 prime UTR variant (1).
Genome position (GRCh38, 1-based): chr2:47,783,270, A>T. VCF-style: chr2-47783270-A-T. GRCh37 (hg19) VCF-style: chr2-48010409-A-T.
Other names: c.37A>T, p.Lys13Ter (NM_001281492.2); c.-700A>T (NM_001281493.2); short protein forms K13*.
Identifiers: ClinVar variation 1453654 (VCV001453654.7), dbSNP rs942019524, ClinGen allele CA346734527.
Genomic context (GRCh38, chr2:47,783,270, plus strand): 5'-GGTTGGGCCTTGCCGGCTGTCGGTATGTCGCGACAGAGCACCCTGTACAGCTTCTTCCCC[A>T]AGTCTCCGGCGCTGAGTGATGCCAACAAGGCCTCGGCCAGGGCCTCACGCGAAGGCGGCC-3'